The following is an entry in ClinVar:

NM_138295.5(PKD1L1):c.3554T>C (p.Leu1185Pro)

Gene: PKD1L1 (polycystin 1 like 1, transient receptor potential channel interacting; minus strand). Cytogenetic location: 7p12.3.
Variant type: single nucleotide variant.
Coding change: c.3554T>C on transcript NM_138295.5 (MANE Select); coding-DNA position 3554, T replaced by C.
Protein change: p.Leu1185Pro; replaces leucine 1185 with proline.
Molecular consequence: missense variant.
Genome position (GRCh38, 1-based): chr7:47,877,598, A>G on the plus strand (T>C on the coding strand, the complement: PKD1L1 is on the minus strand). VCF-style: chr7-47877598-A-G. GRCh37 (hg19) VCF-style: chr7-47917196-A-G.
Other names: short protein forms L1185P.
Identifiers: ClinVar variation 4992914 (VCV004992914.1).

ClinVar aggregate classification (germline): Uncertain significance (1 of 4 stars; one submission).

Conditions:
PKD1L1-related disorder. Also called: PKD1L1-related condition.

gnomAD v4.1: 5 of 1,614,192 alleles (0.00031%); highest among the groups gnomAD compares: South Asian, 0.0044%; no homozygotes.

Submission:

PreventionGenetics, part of Exact Sciences
Classification: Uncertain significance for PKD1L1-related condition. Last evaluated: 2026-06-03. Review status: criteria provided, single submitter. Criteria: ACMG Guidelines, 2015. Collection method: clinical testing. Allele origin: germline.
Comment: The PKD1L1 c.3554T>C variant is predicted to result in the amino acid substitution p.Leu1185Pro. To our knowledge, this variant has not been reported in the literature. This variant is reported in 0.0033% of alleles in individuals of South Asian descent in gnomAD. At this time, the clinical significance of this variant is uncertain due to the absence of conclusive functional and genetic evidence.